The following is an entry in ClinVar:

ClinVar aggregate classification (germline): Likely benign. Review status: criteria provided, multiple submitters, no conflicts (2 of 4 stars). 2 submissions from 2 submitters: Likely benign (2). Last evaluated 2024-09-01.

Allele frequency attached by ClinVar (database versions not stated): gnomAD exomes 0.00002; ExAC 0.00003; TOPMed 0.00003; gnomAD 0.00004; ESP Exome Variant Server 0.00016.
gnomAD v4.1: 36 of 1,613,634 alleles (0.0022%); highest among the groups gnomAD compares: East Asian, 0.0067%; no homozygotes.

Submissions (2):

CeGaT Center for Human Genetics Tuebingen
Classification: Likely benign. Last evaluated: 2024-09-01. Review status: criteria provided, single submitter. Criteria: CeGaT Center For Human Genetics Tuebingen Variant Classification Criteria Version 2. Collection method: clinical testing. Allele origin: germline. Affected: yes. Observed: 1 variant allele.
Comment: RIN2: BP4, BP7

Labcorp Genetics (formerly Invitae), Labcorp
Classification: Likely benign. Last evaluated: 2023-12-13. Review status: criteria provided, single submitter. Criteria: Invitae Variant Classification Sherloc (09022015). Collection method: clinical testing. Allele origin: germline.

NM_018993.4(RIN2):c.2271G>A (p.Ala757=)

Gene: RIN2 (Ras and Rab interactor 2; plus strand). Cytogenetic location: 20p11.23.
Variant type: single nucleotide variant.
Coding change: c.2271G>A on transcript NM_018993.4 (MANE Select); coding-DNA position 2271, G replaced by A.
Protein change: p.Ala757=; no amino-acid change (alanine 757 retained).
Molecular consequence: synonymous variant.
Genome position (GRCh38, 1-based): chr20:19,996,749, G>A. VCF-style: chr20-19996749-G-A. GRCh37 (hg19) VCF-style: chr20-19977393-G-A.
Other names: c.2418G>A, p.Ala806= (NM_001242581.2); c.1653G>A, p.Ala551= (NM_001378238.1).
Identifiers: ClinVar variation 2710041 (VCV002710041.17), dbSNP rs367964989, ClinGen allele CA9780260.